The following is an entry in ClinVar:

NM_020693.4(DSCAML1):c.1806C>T (p.Phe602=)

Gene: DSCAML1 (DS cell adhesion molecule like 1; minus strand). Cytogenetic location: 11q23.3.
Variant type: single nucleotide variant.
Coding change: c.1806C>T on transcript NM_020693.4 (MANE Select); coding-DNA position 1806, C replaced by T.
Protein change: p.Phe602=; no amino-acid change (phenylalanine 602 retained).
Molecular consequence: synonymous variant.
Genome position (GRCh38, 1-based): chr11:117,505,710, G>A on the plus strand (C>T on the coding strand, the complement: DSCAML1 is on the minus strand). VCF-style: chr11-117505710-G-A. GRCh37 (hg19) VCF-style: chr11-117376425-G-A.
Other names: c.1986C>T (NM_020693.3); c.1806C>T, p.Phe602= (NM_001367904.1).
Identifiers: ClinVar variation 1595842 (VCV001595842.34), dbSNP rs144469984, ClinGen allele CA6297162.

ClinVar aggregate classification (germline): Benign/Likely benign. Review status: criteria provided, multiple submitters, no conflicts (2 of 4 stars). 4 submissions from 4 submitters: Benign (2); Likely benign (1). 1 of the submissions does not count toward it. Last evaluated 2026-01-20.

Conditions:
DSCAML1-related disorder. Also called: DSCAML1-related condition.

Allele frequency attached by ClinVar (database versions not stated): 1000 Genomes Project 0.00040; 1000 Genomes Project 30x 0.00062; TOPMed 0.00112; ESP Exome Variant Server 0.00139; gnomAD 0.00152 and 0.00159; gnomAD exomes 0.00152 and 0.00166; ExAC 0.00181.
gnomAD v4.1: 2,636 of 1,611,848 alleles (0.16%); highest among the groups gnomAD compares: Non-Finnish European, 0.19%; 4 homozygotes.

Submissions (4):

Labcorp Genetics (formerly Invitae), Labcorp
Classification: Benign. Last evaluated: 2026-01-20. Review status: criteria provided, single submitter. Criteria: Invitae Variant Classification Sherloc (09022015). Collection method: clinical testing. Allele origin: germline.

CeGaT Center for Human Genetics Tuebingen
Classification: Likely benign. Last evaluated: 2022-09-01. Review status: criteria provided, single submitter. Criteria: CeGaT Center For Human Genetics Tuebingen Variant Classification Criteria Version 2. Collection method: clinical testing. Allele origin: germline. Affected: yes. Observed: 1 variant allele.
Comment: DSCAML1: BP4, BP7

Breakthrough Genomics
Classification: Benign. Review status: criteria provided, single submitter. Criteria: ACMG Guidelines, 2015. Collection method: not provided. Allele origin: germline. Inheritance: Unknown mechanism. Affected: yes.

PreventionGenetics, part of Exact Sciences
Classification: Likely benign for DSCAML1-related condition. Last evaluated: 2019-07-10. Review status: no assertion criteria provided. Collection method: clinical testing. Allele origin: germline. Not counted in ClinVar's aggregate classification.
Comment: This variant is classified as likely benign based on ACMG/AMP sequence variant interpretation guidelines (Richards et al. 2015 PMID: 25741868, with internal and published modifications).